The following is an entry in ClinVar:

ClinVar aggregate classification (germline): Pathogenic (1 of 4 stars; one submission).

Submission:

Labcorp Genetics (formerly Invitae), Labcorp
Classification: Pathogenic. Last evaluated: 2025-07-03. Review status: criteria provided, single submitter. Criteria: Invitae Variant Classification Sherloc (09022015). Collection method: clinical testing. Allele origin: germline.
Comment: This sequence change creates a premature translational stop signal (p.Asp49Argfs*99) in the LMX1B gene. It is expected to result in an absent or disrupted protein product. Loss-of-function variants in LMX1B are known to be pathogenic (PMID: 9590287, 15498463). This variant is not present in population databases (gnomAD no frequency). This variant has not been reported in the literature in individuals affected with LMX1B-related conditions. For these reasons, this variant has been classified as Pathogenic.

Literature cited by the submitters: PubMed 9590287; PubMed 15498463.

NM_001174147.2(LMX1B):c.144dup (p.Asp49fs)

Gene: LMX1B (LIM homeobox transcription factor 1 beta; plus strand). Cytogenetic location: 9q33.3.
Variant type: Duplication.
Coding change: c.144dup on transcript NM_001174147.2 (MANE Select); coding-DNA position 144, one base duplicated (C; older notation c.144dupC).
Protein change: p.Asp49fs; shifts the reading frame from aspartic acid 49.
Molecular consequence: frameshift variant.
Genome position (GRCh38, 1-based): chr9:126,615,387, C duplicated; the last of 2 consecutive C bases (chr9:126,615,386-126,615,387); duplicating either gives the same sequence. VCF-style (leftmost placement, unchanged base first): chr9-126615385-T-TC. GRCh37 (hg19) VCF-style: chr9-129377664-T-TC.
Other names: c.144dup, p.Asp49fs (NM_001174146.2, NM_002316.4); short protein forms D49fs.
Identifiers: ClinVar variation 4722621 (VCV004722621.1).